The following is an entry in ClinVar:

NM_000350.3(ABCA4):c.4858A>C (p.Asn1620His)

Genes: ABCA4 (ATP binding cassette subfamily A member 4; minus strand), LOC126805793 (CDK7 strongly-dependent group 2 enhancer GRCh37_chr1:94486302-94487501; plus strand). Cytogenetic location: 1p22.1.
Variant type: single nucleotide variant.
Coding change: c.4858A>C on transcript NM_000350.3 (MANE Select); coding-DNA position 4858, A replaced by C.
Protein change: p.Asn1620His; replaces asparagine 1620 with histidine.
Molecular consequence: missense variant.
Genome position (GRCh38, 1-based): chr1:94,021,400, T>G on the plus strand (A>C on the coding strand, the complement: ABCA4 is on the minus strand). VCF-style: chr1-94021400-T-G. GRCh37 (hg19) VCF-style: chr1-94486956-T-G.
Other names: c.4636A>C, p.Asn1546His (NM_001425324.1); short protein forms N1620H, N1546H.
Identifiers: ClinVar variation 2708344 (VCV002708344.3), dbSNP rs2523693451, ClinGen allele CA341283225.

ClinVar aggregate classification (germline): Likely pathogenic (1 of 4 stars; one submission).

Submission:

Labcorp Genetics (formerly Invitae), Labcorp
Classification: Likely pathogenic. Last evaluated: 2024-01-08. Review status: criteria provided, single submitter. Criteria: Invitae Variant Classification Sherloc (09022015). Collection method: clinical testing. Allele origin: germline.
Comment: This sequence change replaces asparagine, which is neutral and polar, with histidine, which is basic and polar, at codon 1620 of the ABCA4 protein (p.Asn1620His). This variant is not present in population databases (gnomAD no frequency). This variant has not been reported in the literature in individuals affected with ABCA4-related conditions. Advanced modeling of protein sequence and biophysical properties (such as structural, functional, and spatial information, amino acid conservation, physicochemical variation, residue mobility, and thermodynamic stability) performed at Invitae indicates that this missense variant is expected to disrupt ABCA4 protein function with a positive predictive value of 95%. This variant disrupts the p.Asn1620 amino acid residue in ABCA4. Other variant(s) that disrupt this residue have been determined to be pathogenic (Invitae). This suggests that this residue is clinically significant, and that variants that disrupt this residue are likely to be disease-causing. In summary, the currently available evidence indicates that the variant is pathogenic, but additional data are needed to prove that conclusively. Therefore, this variant has been classified as Likely Pathogenic.